The following is an entry in ClinVar:

ClinVar aggregate classification (germline): Uncertain significance (1 of 4 stars; one submission).

Conditions:
Pyruvate dehydrogenase E1-beta deficiency (PDHBD). Identifiers: Orphanet 255138, Orphanet 765, MedGen C3279841, MONDO:0013580, OMIM 614111.

Allele frequency attached by ClinVar (database versions not stated): gnomAD exomes below 0.00001.

Submission:

Labcorp Genetics (formerly Invitae), Labcorp
Classification: Uncertain significance for Pyruvate dehydrogenase E1-beta deficiency. Last evaluated: 2021-08-28. Review status: criteria provided, single submitter. Criteria: Invitae Variant Classification Sherloc (09022015). Collection method: clinical testing. Allele origin: germline.
Comment: This sequence change replaces glutamic acid with lysine at codon 259 of the PDHB protein (p.Glu259Lys). The glutamic acid residue is moderately conserved and there is a small physicochemical difference between glutamic acid and lysine. This variant is not present in population databases (ExAC no frequency). This variant has not been reported in the literature in individuals affected with PDHB-related conditions. Algorithms developed to predict the effect of missense changes on protein structure and function (SIFT, PolyPhen-2, Align-GVGD) all suggest that this variant is likely to be tolerated. In summary, the available evidence is currently insufficient to determine the role of this variant in disease. Therefore, it has been classified as a Variant of Uncertain Significance.

NM_000925.4(PDHB):c.775G>A (p.Glu259Lys)

Gene: PDHB (pyruvate dehydrogenase E1 subunit beta; minus strand). Cytogenetic location: 3p14.3.
Variant type: single nucleotide variant.
Coding change: c.775G>A on transcript NM_000925.4 (MANE Select); coding-DNA position 775, G replaced by A.
Protein change: p.Glu259Lys; replaces glutamic acid 259 with lysine.
Molecular consequence: missense variant. On other transcripts: non-coding transcript variant (1).
Genome position (GRCh38, 1-based): chr3:58,429,725, C>T on the plus strand (G>A on the coding strand, the complement: PDHB is on the minus strand). VCF-style: chr3-58429725-C-T. GRCh37 (hg19) VCF-style: chr3-58415452-C-T.
Other names: c.721G>A, p.Glu241Lys (NM_001173468.2, NM_001315536.2); short protein forms E259K, E241K.
Identifiers: ClinVar variation 936606 (VCV000936606.4), dbSNP rs2062903901, ClinGen allele CA353358925.